The following is an entry in ClinVar:

ClinVar aggregate classification (germline): Uncertain significance. Review status: criteria provided, multiple submitters, no conflicts (2 of 4 stars). 2 submissions from 2 submitters: Uncertain significance (2). Last evaluated 2025-12-23.

gnomAD v4.1: 408 of 1,604,530 alleles (0.025%); highest among the groups gnomAD compares: African/African-American, 0.5%; 1 homozygote.

Submissions (3):

Dasa
Classification: Uncertain significance. Last evaluated: 2025-12-23. Review status: criteria provided, single submitter. Criteria: DASA Assertion Criteria. Collection method: clinical testing. Allele origin: germline.
Comment: NM_000631.5(NCF4):c.824+5G>A is a splice-region variant. This variant is rare in population databases. Computational prediction algorithms are consistent with a deleterious effect. The currently available literature and clinical evidence are not sufficient to establish a definitive association between this variant and the reported condition. Therefore, this variant is classified as a variant of uncertain significance.

Blueprint Genetics
Classification: Uncertain significance. Last evaluated: 2024-09-15. Review status: criteria provided, single submitter. Criteria: ACMG Guidelines, 2015. Collection method: clinical testing. Allele origin: germline.

Dr. Peter K. Rogan Lab, Western University
No classification provided (evidence only). Condition: Cervical cancer. Review status: no classification provided. Collection method: in vitro. Allele origin: not applicable. Functional consequence: retained intron. Not counted in ClinVar's aggregate classification.

NM_000631.5(NCF4):c.824+5G>A

Gene: NCF4 (neutrophil cytosolic factor 4; plus strand). Cytogenetic location: 22q12.3.
Variant type: single nucleotide variant.
Coding change: c.824+5G>A on transcript NM_000631.5 (MANE Select); 5 bases into the intron after coding-DNA position 824, G replaced by A.
Molecular consequence: intron variant.
Genome position (GRCh38, 1-based): chr22:36,876,099, G>A. VCF-style: chr22-36876099-G-A. GRCh37 (hg19) VCF-style: chr22-37272141-G-A.
Other names: NC_000022.10:g.37272141G>A; c.*22+5G>A (NM_013416.4).
Identifiers: ClinVar variation 4458220 (VCV004458220.4).
Genomic context (GRCh38, chr22:36,876,099, plus strand): 5'-GTGGAGGAAGATCTCAGCAGCACTCCCCTATTGAAAGACCTGCTGGAGCTCACAAGGTGA[G>A]GGGCTGGGAATGGGGCTGGGGAGTTAGATACTCTGGAGAAGAGAGCGCAGGGAGAAATGT-3'